The following is an entry in ClinVar:

NM_172107.4(KCNQ2):c.1160dup (p.Leu388fs)

Gene: KCNQ2 (potassium voltage-gated channel subfamily Q member 2; minus strand). Cytogenetic location: 20q13.33.
Variant type: Duplication.
Coding change: c.1160dup on transcript NM_172107.4 (MANE Select); coding-DNA position 1160, one base duplicated (C; older notation c.1160dupC).
Protein change: p.Leu388fs; shifts the reading frame from leucine 388.
Molecular consequence: frameshift variant.
Genome position (GRCh38, 1-based): chr20:63,428,424, G duplicated on the plus strand (C on the coding strand, the reverse complement: KCNQ2 is on the minus strand); the first of 6 consecutive G bases (chr20:63,428,424-63,428,429); duplicating any one gives the same sequence. VCF-style (leftmost placement, unchanged base first): chr20-63428423-C-CG. GRCh37 (hg19) VCF-style: chr20-62059776-C-CG.
Other names: c.1160dup, p.Leu388fs (NM_001382235.1, NM_172106.3, NM_172108.5); c.1130dup, p.Leu378fs (NM_004518.6); short protein forms L378fs, L388fs.
Identifiers: ClinVar variation 1034352 (VCV001034352.3), dbSNP rs796052657, ClinGen allele CA636342981.

ClinVar aggregate classification (germline): Pathogenic. Review status: criteria provided, multiple submitters, no conflicts (2 of 4 stars). 3 submissions from 3 submitters: Pathogenic (3). Last evaluated 2025-09-08.

Conditions:
Developmental and epileptic encephalopathy, 7 (DEE7). Also called: Early infantile epileptic encephalopathy 7; KCNQ2-Related Neonatal Epileptic Encephalopathy; KCNQ2-Related Neonatal-Onset Developmental and Epileptic Encephalopathy (NEO-DEE). Identifiers: Orphanet 439218, MedGen C3150986, MONDO:0013387, OMIM 613720.
Seizures, benign familial neonatal, 1. Also called: Benign Neonatal Epilepsy 1; Seizures, benign neonatal, 1; KCNQ2-Related Benign Familial Neonatal Epilepsy; KCNQ2-Related Self-Limited Familial Neonatal Epilepsy (SLFNE). Identifiers: Orphanet 1949, MedGen C3149074, MONDO:0007365, OMIM 121200.

Submissions (3):

3billion
Classification: Pathogenic for Developmental and epileptic encephalopathy, 7. Last evaluated: 2025-09-08. Review status: criteria provided, single submitter. Criteria: ACMG Guidelines, 2015. Collection method: clinical testing. Allele origin: germline. Affected: yes.
Comment: The variant is not observed in the gnomAD v4.1.0 dataset. Predicted Consequence/Location: Frameshift: predicted to result in a loss or disruption of normal protein function through nonsense-mediated decay (NMD) or protein truncation. Multiple pathogenic variants are reported downstream of the variant. The variant has been reported at least twice as pathogenic without evidence for the classification (ClinVar ID: VCV001034352 /PMID: 33726816). Therefore, this variant is classified as Pathogenic according to the recommendation of ACMG/AMP guideline.

Institute of Human Genetics, University of Leipzig Medical Center
Classification: Pathogenic for Seizures, benign familial neonatal, 1. Last evaluated: 2024-03-04. Review status: criteria provided, single submitter. Criteria: ACMG Guidelines, 2015. Collection method: clinical testing. Allele origin: unknown. Inheritance: Autosomal dominant inheritance. Affected: yes.
Comment: Criteria applied: PVS1,PS4_MOD,PM2_SUP

Baylor Genetics
Classification: Pathogenic for Developmental and epileptic encephalopathy, 7. Last evaluated: 2018-11-26. Review status: criteria provided, single submitter. Criteria: ACMG Guidelines, 2015. Collection method: clinical testing. Allele origin: paternal. Affected: yes.
Comment: This variant was determined to be pathogenic according to ACMG Guidelines, 2015 [PMID:25741868].

Literature cited by the submitters: PubMed 33726816 (cited by 3billion).